The following is an entry in ClinVar:

NM_001267550.2(TTN):c.107770C>A (p.Pro35924Thr)

Genes: TTN-AS1 (TTN antisense RNA 1; plus strand), TTN (titin; minus strand). Cytogenetic location: 2q31.2.
Variant type: single nucleotide variant.
Coding change: c.107770C>A on transcript NM_001267550.2 (MANE Select); coding-DNA position 107770, C replaced by A.
Protein change: p.Pro35924Thr; replaces proline 35924 with threonine.
Molecular consequence: missense variant.
Genome position (GRCh38, 1-based): chr2:178,527,218, G>T on the plus strand (C>A on the coding strand, the complement: TTN is on the minus strand). VCF-style: chr2-178527218-G-T. GRCh37 (hg19) VCF-style: chr2-179391945-G-T.
Other names: c.102847C>A, p.Pro34283Thr (NM_001256850.1); c.80575C>A, p.Pro26859Thr (NM_003319.4); c.100066C>A, p.Pro33356Thr (NM_133378.4); c.80950C>A, p.Pro26984Thr (NM_133432.3); c.81151C>A, p.Pro27051Thr (NM_133437.4); short protein forms P26859T, P26984T, P27051T, P33356T, P34283T, P35924T.
Identifiers: ClinVar variation 3755522 (VCV003755522.2).

ClinVar aggregate classification (germline): Uncertain significance (1 of 4 stars; one submission).

Conditions:
Dilated cardiomyopathy 1G (CMD1G). Identifiers: Orphanet 154, MedGen C1858763, MONDO:0011400, OMIM 604145.
Autosomal recessive limb-girdle muscular dystrophy type 2J (LGMDR10). Also called: Limb-girdle muscular dystrophy, type 2J; MUSCULAR DYSTROPHY, LIMB-GIRDLE, AUTOSOMAL RECESSIVE 10. Identifiers: Orphanet 140922, MedGen C1837342, MONDO:0012127, OMIM 608807.

Submission:

Labcorp Genetics (formerly Invitae), Labcorp
Classification: Uncertain significance for Dilated cardiomyopathy 1G; Autosomal recessive limb-girdle muscular dystrophy type 2J. Last evaluated: 2024-03-26. Review status: criteria provided, single submitter. Criteria: Invitae Variant Classification Sherloc (09022015). Collection method: clinical testing. Allele origin: germline.
Comment: This sequence change replaces proline, which is neutral and non-polar, with threonine, which is neutral and polar, at codon 35924 of the TTN protein (p.Pro35924Thr). This variant is not present in population databases (gnomAD no frequency). This variant has not been reported in the literature in individuals affected with TTN-related conditions. Experimental studies and prediction algorithms are not available or were not evaluated, and the functional significance of this variant is currently unknown. This variant is located in the M band of TTN (PMID: 25589632). Non-truncating variants in this region may be relevant for neuromuscular disorders, but have not been definitively shown to cause cardiomyopathy (PMID: 23975875). In summary, the available evidence is currently insufficient to determine the role of this variant in disease. Therefore, it has been classified as a Variant of Uncertain Significance.

Literature cited by the submitters: PubMed 25589632; PubMed 23975875.